The following is an entry in ClinVar:

NM_000168.6(GLI3):c.3885C>T (p.Phe1295=)

Gene: GLI3 (GLI family zinc finger 3; minus strand). Cytogenetic location: 7p14.1.
Variant type: single nucleotide variant.
Coding change: c.3885C>T on transcript NM_000168.6 (MANE Select); coding-DNA position 3885, C replaced by T.
Protein change: p.Phe1295=; no amino-acid change (phenylalanine 1295 retained).
Molecular consequence: synonymous variant.
Genome position (GRCh38, 1-based): chr7:41,965,188, G>A on the plus strand (C>T on the coding strand, the complement: GLI3 is on the minus strand). VCF-style: chr7-41965188-G-A. GRCh37 (hg19) VCF-style: chr7-42004786-G-A.
Identifiers: ClinVar variation 3032151 (VCV003032151.2), dbSNP rs2484368162, ClinGen allele CA454662397.

ClinVar aggregate classification (germline): Likely benign (0 of 4 stars; one submission).

Conditions:
GLI3-related disorder. Also called: GLI3-related condition; GLI3-related disorders. Identifiers: MedGen CN239292.

Allele frequency attached by ClinVar (database versions not stated): gnomAD exomes below 0.00001.
gnomAD v4.1: 1 of 1,613,860 alleles (0.000062%); highest among the groups gnomAD compares: East Asian, 0.0022%; no homozygotes.

Submission:

PreventionGenetics, part of Exact Sciences
Classification: Likely benign for GLI3-related condition. Last evaluated: 2022-06-08. Review status: no assertion criteria provided. Collection method: clinical testing. Allele origin: germline.
Comment: This variant is classified as likely benign based on ACMG/AMP sequence variant interpretation guidelines (Richards et al. 2015 PMID: 25741868, with internal and published modifications).